The following is an entry in ClinVar:

NM_001191061.2(SLC25A22):c.448C>G (p.Leu150Val)

Gene: SLC25A22 (solute carrier family 25 member 22; minus strand). Cytogenetic location: 11p15.5.
Variant type: single nucleotide variant.
Coding change: c.448C>G on transcript NM_001191061.2 (MANE Select); coding-DNA position 448, C replaced by G.
Protein change: p.Leu150Val; replaces leucine 150 with valine.
Molecular consequence: missense variant.
Genome position (GRCh38, 1-based): chr11:792,692, G>C on the plus strand (C>G on the coding strand, the complement: SLC25A22 is on the minus strand). VCF-style: chr11-792692-G-C. GRCh37 (hg19) VCF-style: chr11-792692-G-C.
Other names: p.L150V:CTC>GTC; c.448C>G, p.Leu150Val (NM_001191060.2, NM_024698.6); short protein forms L150V.
Identifiers: ClinVar variation 139137 (VCV000139137.27), dbSNP rs111277421, ClinGen allele CA173480.

ClinVar aggregate classification (germline): Benign. Review status: criteria provided, multiple submitters, no conflicts (2 of 4 stars). 10 submissions from 10 submitters: Benign (10). Last evaluated 2026-02-03.

Conditions:
Inborn genetic diseases. Identifiers: MedGen C0950123, MeSH D030342.
Early-infantile DEE. Also called: Early infantile epileptic encephalopathy; Early infantile epileptic encephalopathy with suppression bursts; Ohtahara syndrome. Identifiers: Orphanet 1934, MedGen C0393706, MONDO:0800491.
Early Myoclonic Encephalopathy. Identifiers: MedGen C0270855.

Allele frequency attached by ClinVar (database versions not stated): 1000 Genomes Project 30x 0.03217; TOPMed 0.05859; gnomAD 0.05984 and 0.06224; 1000 Genomes Project 0.03195; ESP Exome Variant Server 0.05976; ExAC 0.07096; gnomAD exomes 0.05263.
gnomAD v4.1: 115,537 of 1,553,550 alleles (7.4%); highest among the groups gnomAD compares: Non-Finnish European, 8.7%; 4,773 homozygotes.

Submissions (10):

Labcorp Genetics (formerly Invitae), Labcorp
Classification: Benign for Early-infantile DEE. Last evaluated: 2026-02-03. Review status: criteria provided, single submitter. Criteria: Invitae Variant Classification Sherloc (09022015). Collection method: clinical testing. Allele origin: germline.

Mayo Clinic Laboratories, Mayo Clinic
Classification: Benign. Last evaluated: 2022-10-27. Review status: criteria provided, single submitter. Criteria: ACMG Guidelines, 2015. Collection method: clinical testing. Allele origin: germline. Observed: 94 variant alleles.

Athena Diagnostics
Classification: Benign. Last evaluated: 2018-05-04. Review status: criteria provided, single submitter. Criteria: Athena Diagnostics Criteria. Collection method: clinical testing. Allele origin: germline.

Illumina Laboratory Services, Illumina
Classification: Benign for Developmental and epileptic encephalopathy, 3. Last evaluated: 2018-01-13. Review status: criteria provided, single submitter. Criteria: ICSL Variant Classification Criteria 13 December 2019. Collection method: clinical testing. Allele origin: germline.
Comment: This variant was observed in the ICSL laboratory as part of a predisposition screen in an ostensibly healthy population. It had not been previously curated by ICSL or reported in the Human Gene Mutation Database (HGMD: prior to June 1st, 2018), and was therefore a candidate for classification through an automated scoring system. Utilizing variant allele frequency, disease prevalence and penetrance estimates, and inheritance mode, an automated score was calculated to assess if this variant is too frequent to cause the disease. Based on the score and internal cut-off values, a variant classified as benign is not then subjected to further curation. The score for this variant resulted in a classification of benign for this disease.

Ambry Genetics
Classification: Benign for Inborn genetic diseases. Last evaluated: 2016-01-08. Review status: criteria provided, single submitter. Criteria: Ambry Variant Classification Scheme 2023. Collection method: clinical testing. Allele origin: germline.

Eurofins Ntd Llc (ga)
Classification: Benign. Last evaluated: 2014-01-27. Review status: criteria provided, single submitter. Criteria: EGL Classification Definitions 2015. Collection method: clinical testing. Allele origin: germline. Observed: 2 variant alleles, 2 heterozygotes.

Genetic Services Laboratory, University of Chicago
Classification: Benign. Last evaluated: 2013-02-08. Review status: criteria provided, single submitter. Criteria: ACMG Guidelines, 2007. Collection method: clinical testing. Allele origin: germline. Inheritance: Autosomal recessive inheritance.

GeneDx
Classification: Benign. Last evaluated: 2012-03-12. Review status: criteria provided, single submitter. Criteria: GeneDx Variant Classification (06012015). Collection method: clinical testing. Allele origin: germline. Affected: yes.
Comment: This variant is considered likely benign or benign based on one or more of the following criteria: it is a conservative change, it occurs at a poorly conserved position in the protein, it is predicted to be benign by multiple in silico algorithms, and/or has population frequency not consistent with disease.

Breakthrough Genomics
Classification: Benign. Review status: criteria provided, single submitter. Criteria: ACMG Guidelines, 2015. Collection method: not provided. Allele origin: germline. Inheritance: Autosomal recessive inheritance. Affected: yes.

PreventionGenetics, part of Exact Sciences
Classification: Benign. Review status: criteria provided, single submitter. Criteria: ACMG Guidelines, 2015. Collection method: clinical testing. Allele origin: germline.